The following is an entry in ClinVar:

NM_000092.5(COL4A4):c.2908C>T (p.Gln970Ter)

Gene: COL4A4 (collagen type IV alpha 4 chain; minus strand). Cytogenetic location: 2q36.3.
Variant type: single nucleotide variant.
Coding change: c.2908C>T on transcript NM_000092.5 (MANE Select); coding-DNA position 2908, C replaced by T.
Protein change: p.Gln970Ter; replaces glutamine 970 with a stop codon.
Molecular consequence: nonsense.
Genome position (GRCh38, 1-based): chr2:227,052,365, G>A on the plus strand (C>T on the coding strand, the complement: COL4A4 is on the minus strand). VCF-style: chr2-227052365-G-A. GRCh37 (hg19) VCF-style: chr2-227917081-G-A.
Other names: p.(Gln970*); c.2908C>T (NM_000092.4); short protein forms Q970*.
Identifiers: ClinVar variation 974516 (VCV000974516.5), dbSNP rs372413045, ClinGen allele CA2144683.

ClinVar aggregate classification (germline): Pathogenic. Review status: criteria provided, multiple submitters, no conflicts (2 of 4 stars). 5 submissions from 5 submitters: Pathogenic (5). Last evaluated 2026-04-23.

Conditions:
Autosomal recessive Alport syndrome (ATS2). Also called: Alport syndrome type 2; COL4A4 Alport Syndrome and Thin Basement Membrane Nephropathy; ALPORT SYNDROME 2, AUTOSOMAL RECESSIVE; COL4A3-Related Nephropathy. Identifiers: Orphanet 63, Orphanet 88919, MedGen C4746745, MONDO:0008762, OMIM 203780.
Hematuria, benign familial, 1 (BFH1). Also called: THIN MEMBRANE NEPHROPATHY. Identifiers: MedGen CN376803, MONDO:0007709, OMIM 141200.
Autosomal dominant Alport syndrome (ATS3A). Also called: ALPORT SYNDROME 3A, AUTOSOMAL DOMINANT; Alport syndrome dominant type; Renal failure and sensorineural hearing loss. Identifiers: Orphanet 63, Orphanet 88918, MedGen C5882663, MONDO:0007086, OMIM 104200.
Alport syndrome. Also called: Hemorrhagic familial nephritis; Hemorrhagic hereditary nephritis; Congenital hereditary hematuria. Identifiers: Orphanet 63, MedGen C1567741, MONDO:0018965.

Submissions (5):

Centre de Génétique Humaine, Institut de Pathologie Et de Génétique
Classification: Pathogenic for Autosomal dominant Alport syndrome; Hematuria, benign familial, 1. Last evaluated: 2026-04-23. Review status: criteria provided, single submitter. Criteria: ACMG Guidelines, 2015. Collection method: clinical testing. Allele origin: germline, paternal. Inheritance: Autosomal dominant inheritance. Affected: yes. Observed: 3 variant alleles, 3 heterozygotes. Clinical features observed: Microscopic hematuria (HP:0002907), Severe albuminuria (HP:0033066), Stage 4 chronic kidney disease (HP:0012626). Segregation with disease observed.
Comment: Nonsense variant predicted to result in protein truncation or nonsense mediated decay in a gene for which loss-of-function is a known mechanism of disease (PVS1). This variant is rare: allelic frequency of 0.00018% in gnomAD v4.1.0 database (PM2). Described in scientific litterature in coumpound heterozygous patients with AR AS and heterozygous in patient with FBH (PP5).

GeneDx
Classification: Pathogenic. Last evaluated: 2025-03-06. Review status: criteria provided, single submitter. Criteria: GeneDx Variant Classification Process June 2021. Collection method: clinical testing. Allele origin: germline. Affected: yes.
Comment: Nonsense variant predicted to result in protein truncation or nonsense mediated decay in a gene for which loss of function is a known mechanism of disease; Not observed at significant frequency in large population cohorts (gnomAD); This variant is associated with the following publications: (PMID: 29801666, 29854973, 33838161, 33532864)

Natera, Inc.
Classification: Pathogenic for Alport syndrome. Last evaluated: 2024-11-04. Review status: criteria provided, single submitter. Criteria: Natera Variant Classification Schema (03/2026). Collection method: clinical testing. Allele origin: germline.
Comment: The c.2908C>T variant in COL4A4 is a nonsense variant predicted to introduce a stop codon at amino acid 970. This variant is expected to result in nonsense mediated decay, truncation, or a dysfunctional protein product. This variant is rare in the general population with a frequency below the threshold expected for the associated phenotype(s). This variant has been observed in one or more individuals affected with the associated recessive disease, as either homozygous or compound heterozygous with a second variant (PMID: 29801666). Given the available evidence, this variant is classified as Pathogenic.

Fulgent Genetics
Classification: Pathogenic for Hematuria, benign familial, 1; Autosomal recessive Alport syndrome. Last evaluated: 2024-05-15. Review status: criteria provided, single submitter. Criteria: ACMG Guidelines, 2015. Collection method: clinical testing. Allele origin: germline.

Molecular Biology Laboratory, Fundació Puigvert
Classification: Pathogenic for Autosomal recessive Alport syndrome. Last evaluated: 2020-02-01. Review status: criteria provided, single submitter. Criteria: ACMG Guidelines, 2015. Collection method: research. Allele origin: paternal. Affected: yes. Study: KidneyPanel_2020.

Literature cited by the submitters: PubMed 29801666 (cited by Centre de Génétique Humaine, Institut de Pathologie Et de Génétique and Natera, Inc.); PubMed 29854973 (cited by Centre de Génétique Humaine, Institut de Pathologie Et de Génétique); PubMed 33838161 (cited by Centre de Génétique Humaine, Institut de Pathologie Et de Génétique); PubMed 33532864 (cited by Centre de Génétique Humaine, Institut de Pathologie Et de Génétique and Molecular Biology Laboratory, Fundació Puigvert).